The following is an entry in ClinVar:

ClinVar aggregate classification (germline): Conflicting classifications of pathogenicity. Review status: criteria provided, conflicting classifications (1 of 4 stars). 3 submissions from 3 submitters: Uncertain significance (2); Benign (1). Last evaluated 2025-05-27.

Conditions:
KCNH1-related disorder. Also called: KCNH1-related disorders; KCNH1-related condition.

Allele frequency attached by ClinVar (database versions not stated): ExAC 0.00001; gnomAD 0.00001; TOPMed 0.00001.
gnomAD v4.1: 28 of 1,613,894 alleles (0.0017%); highest among the groups gnomAD compares: Middle Eastern, 0.21%; 1 homozygote.

Submissions (3):

Labcorp Genetics (formerly Invitae), Labcorp
Classification: Benign. Last evaluated: 2025-05-27. Review status: criteria provided, single submitter. Criteria: Invitae Variant Classification Sherloc (09022015). Collection method: clinical testing. Allele origin: germline.

PreventionGenetics, part of Exact Sciences
Classification: Uncertain significance for KCNH1-related condition. Last evaluated: 2025-04-08. Review status: criteria provided, single submitter. Criteria: ACMG Guidelines, 2015. Collection method: clinical testing. Allele origin: germline.
Comment: The KCNH1 c.1066G>A variant is predicted to result in the amino acid substitution p.Val356Ile. This variant has been reported to have occurred apparently de novo in an individual with Cornelia de Lange syndrome (Table S1, Kaur et al. 2023. PubMed ID: 37377026). This variant is reported in 0.0027% of alleles in individuals of European (non-Finnish) descent in gnomAD, including one homozygote within the 'other' subpopulation. At this time, the clinical significance of this variant is uncertain due to the absence of conclusive functional and genetic evidence.

Breakthrough Genomics
Classification: Uncertain significance. Review status: criteria provided, single submitter. Criteria: ACMG Guidelines, 2015. Collection method: not provided. Allele origin: germline. Inheritance: Autosomal dominant inheritance. Affected: yes.

NM_172362.3(KCNH1):c.1066G>A (p.Val356Ile)

Gene: KCNH1 (potassium voltage-gated channel subfamily H member 1; minus strand). Cytogenetic location: 1q32.2.
Variant type: single nucleotide variant.
Coding change: c.1066G>A on transcript NM_172362.3 (MANE Select); coding-DNA position 1066, G replaced by A.
Protein change: p.Val356Ile; replaces valine 356 with isoleucine.
Molecular consequence: missense variant.
Genome position (GRCh38, 1-based): chr1:210,920,036, C>T on the plus strand (G>A on the coding strand, the complement: KCNH1 is on the minus strand). VCF-style: chr1-210920036-C-T. GRCh37 (hg19) VCF-style: chr1-211093378-C-T.
Other names: c.1066G>A (NM_172362.2); c.985G>A, p.Val329Ile (NM_002238.4); short protein forms V356I, V329I.
Identifiers: ClinVar variation 1427888 (VCV001427888.8), dbSNP rs754172417, ClinGen allele CA1379919.